The following is an entry in ClinVar:

NM_024426.6(WT1):c.848C>T (p.Thr283Ile)

Gene: WT1 (WT1 transcription factor; minus strand). Cytogenetic location: 11p13.
Variant type: single nucleotide variant.
Coding change: c.848C>T on transcript NM_024426.6 (MANE Select); coding-DNA position 848, C replaced by T.
Protein change: p.Thr283Ile; replaces threonine 283 with isoleucine.
Molecular consequence: missense variant. On other transcripts: non-coding transcript variant (1).
Genome position (GRCh38, 1-based): chr11:32,427,995, G>A on the plus strand (C>T on the coding strand, the complement: WT1 is on the minus strand). VCF-style: chr11-32427995-G-A. GRCh37 (hg19) VCF-style: chr11-32449541-G-A.
Other names: c.848C>T, p.Thr283Ile (NM_000378.6, NM_001407044.1, NM_001407045.1 and 4 more transcripts); c.197C>T, p.Thr66Ile (NM_001198551.2, NM_001198552.2); c.725C>T, p.Thr242Ile (NM_001407047.1, NM_001407050.1); c.86C>T, p.Thr29Ile (NM_001407051.1); c.833C>T, p.Thr278Ile (NM_024425.2); c.833C>T (NM_024426.4); short protein forms T66I, T283I, T278I, T242I, T29I.
Identifiers: ClinVar variation 1364033 (VCV001364033.10), dbSNP rs776258782, ClinGen allele CA065705.

ClinVar aggregate classification (germline): Uncertain significance. Review status: criteria provided, multiple submitters, no conflicts (2 of 4 stars). 2 submissions from 2 submitters: Uncertain significance (2). Last evaluated 2025-10-27.

Conditions:
Drash syndrome (DDS). Also called: WILMS TUMOR AND PSEUDO- OR TRUE HERMAPHRODITISM; NEPHROPATHY, WILMS TUMOR, AND GENITAL ANOMALIES. Identifiers: Orphanet 220, MedGen C0950121, MONDO:0008682, OMIM 194080.
Frasier syndrome. Identifiers: Orphanet 347, MedGen C0950122, MeSH D052159, MONDO:0007635, OMIM 136680.
Wilms tumor 1 (WT1). Also called: Wilms tumor, somatic. Identifiers: Orphanet 654, MedGen CN033288, MONDO:0008679, OMIM 194070.
11p partial monosomy syndrome (WAGR). Also called: CHROMOSOME 11p13 DELETION SYNDROME; WAGR Complex; WAGR syndrome; WAGR Spectrum Disorder. Identifiers: Orphanet 893, MedGen C0206115, MONDO:0008681, OMIM 194072.
Inborn genetic diseases. Identifiers: MedGen C0950123, MeSH D030342.

Allele frequency attached by ClinVar (database versions not stated): gnomAD exomes below 0.00001; ExAC 0.00001.
gnomAD v4.1: 1 of 1,611,982 alleles (0.000062%); highest among the groups gnomAD compares: South Asian, 0.0011%; no homozygotes.

Submissions (2):

Ambry Genetics
Classification: Uncertain significance for Inborn genetic diseases. Last evaluated: 2025-10-27. Review status: criteria provided, single submitter. Criteria: Ambry Variant Classification Scheme 2023. Collection method: clinical testing. Allele origin: germline.
Comment: The p.T278I variant (also known as c.833C>T), located in coding exon 3 of the WT1 gene, results from a C to T substitution at nucleotide position 833. The threonine at codon 278 is replaced by isoleucine, an amino acid with similar properties. This amino acid position is conserved. In addition, the in silico prediction for this alteration is inconclusive. Based on the available evidence, the clinical significance of this variant remains unclear.

Labcorp Genetics (formerly Invitae), Labcorp
Classification: Uncertain significance for Wilms tumor 1; Drash syndrome; 11p partial monosomy syndrome; Frasier syndrome. Last evaluated: 2024-07-19. Review status: criteria provided, single submitter. Criteria: Invitae Variant Classification Sherloc (09022015). Collection method: clinical testing. Allele origin: germline.
Comment: This sequence change replaces threonine, which is neutral and polar, with isoleucine, which is neutral and non-polar, at codon 278 of the WT1 protein (p.Thr278Ile). The frequency data for this variant in the population databases is considered unreliable, as metrics indicate poor data quality at this position in the gnomAD database. This variant has not been reported in the literature in individuals affected with WT1-related conditions. ClinVar contains an entry for this variant (Variation ID: 1364033). Advanced modeling of protein sequence and biophysical properties (such as structural, functional, and spatial information, amino acid conservation, physicochemical variation, residue mobility, and thermodynamic stability) performed at Invitae indicates that this missense variant is not expected to disrupt WT1 protein function with a negative predictive value of 95%. In summary, the available evidence is currently insufficient to determine the role of this variant in disease. Therefore, it has been classified as a Variant of Uncertain Significance.